The following is an entry in ClinVar:

NM_002691.4(POLD1):c.3185A>G (p.Gln1062Arg)

Gene: POLD1 (DNA polymerase delta 1, catalytic subunit; plus strand). Cytogenetic location: 19q13.33.
Variant type: single nucleotide variant.
Coding change: c.3185A>G on transcript NM_002691.4 (MANE Select); coding-DNA position 3185, A replaced by G.
Protein change: p.Gln1062Arg; replaces glutamine 1062 with arginine.
Molecular consequence: missense variant. On other transcripts: non-coding transcript variant (1).
Genome position (GRCh38, 1-based): chr19:50,417,236, A>G. VCF-style: chr19-50417236-A-G. GRCh37 (hg19) VCF-style: chr19-50920493-A-G.
Other names: c.3185A>G, p.Gln1062Arg (NM_001256849.1); c.3263A>G, p.Gln1088Arg (NM_001308632.1); c.3185A>G (NM_002691.3); short protein forms Q1062R, Q1088R.
Identifiers: ClinVar variation 995953 (VCV000995953.4), dbSNP rs2039339156, ClinGen allele CA406987461.

ClinVar aggregate classification (germline): Conflicting classifications of pathogenicity. Review status: criteria provided, conflicting classifications (1 of 4 stars). 3 submissions from 3 submitters: Pathogenic (1); Likely pathogenic (1); Uncertain significance (1). Last evaluated 2023-12-03.

Conditions:
Mandibular hypoplasia-deafness-progeroid syndrome. Also called: Mandibular hypoplasia, deafness, progeroid features, and lipodystrophy syndrome. Identifiers: Orphanet 363649, MedGen C3715192, MONDO:0014157, OMIM 615381.

Submissions (3):

GeneDx
Classification: Pathogenic. Last evaluated: 2023-12-03. Review status: criteria provided, single submitter. Criteria: GeneDx Variant Classification Process June 2021. Collection method: clinical testing. Allele origin: germline. Affected: yes.
Comment: Not observed at significant frequency in large population cohorts (gnomAD); In silico analysis supports that this missense variant has a deleterious effect on protein structure/function; This variant is associated with the following publications: (PMID: 19296856, 36280868)

Laboratory Genomica, Gynecology and Assisted Reproduction Hospital Malinov DM
Classification: Uncertain significance for Mandibular hypoplasia-deafness-progeroid syndrome. Last evaluated: 2020-06-01. Review status: criteria provided, single submitter. Criteria: ACMG Guidelines, 2015. Collection method: clinical testing. Allele origin: germline. Inheritance: Sporadic. Affected: yes. Observed: 1 variant allele, 1 heterozygote.

Precision Medicine Center, Zhengzhou University
Classification: Likely pathogenic for Mandibular hypoplasia-deafness-progeroid syndrome. Review status: criteria provided, single submitter. Criteria: ACMG Guidelines, 2015. Collection method: clinical testing. Allele origin: de novo. Inheritance: Autosomal dominant inheritance. Affected: yes.
Comment: PS2 + PM2_Supporting + PP4